The following is an entry in ClinVar:

NM_175875.5(SIX5):c.246G>A (p.Thr82=)

Genes: DM1-AS (DM1 locus antisense RNA; plus strand), SIX5 (SIX homeobox 5; minus strand), LOC107075317 (origin of replication in DMPK trinucleotide repeat region; plus strand), LOC129929037 (ATAC-STARR-seq lymphoblastoid silent region 10794; plus strand). Cytogenetic location: 19q13.32.
Variant type: single nucleotide variant.
Coding change: c.246G>A on transcript NM_175875.5 (MANE Select); coding-DNA position 246, G replaced by A.
Protein change: p.Thr82=; no amino-acid change (threonine 82 retained).
Molecular consequence: synonymous variant.
Genome position (GRCh38, 1-based): chr19:45,768,599, C>T on the plus strand (G>A on the coding strand, the complement: SIX5 is on the minus strand). VCF-style: chr19-45768599-C-T. GRCh37 (hg19) VCF-style: chr19-46271857-C-T.
Other names: c.246G>A (NM_175875.4).
Identifiers: ClinVar variation 2890787 (VCV002890787.5), dbSNP rs903299922, ClinGen allele CA309001740.

ClinVar aggregate classification (germline): Likely benign. Review status: criteria provided, single submitter (1 of 4 stars). 2 submissions from 2 submitters: Likely benign (1). 1 of the submissions does not count toward it. Last evaluated 2023-02-11.

Conditions:
SIX5-related disorder. Also called: SIX5-related condition.

Allele frequency attached by ClinVar (database versions not stated): TOPMed 0.00003.

Submissions (2):

Labcorp Genetics (formerly Invitae), Labcorp
Classification: Likely benign. Last evaluated: 2023-02-11. Review status: criteria provided, single submitter. Criteria: Invitae Variant Classification Sherloc (09022015). Collection method: clinical testing. Allele origin: germline.

PreventionGenetics, part of Exact Sciences
Classification: Uncertain significance for SIX5-related condition. Last evaluated: 2023-12-24. Review status: no assertion criteria provided. Collection method: clinical testing. Allele origin: germline. Not counted in ClinVar's aggregate classification.
Comment: The SIX5 c.246G>A variant is not predicted to result in an amino acid change (p.=). However, this variant is predicted to possibly activate a cryptic acceptor site within the exon (Alamut Visual Plus v1.6.1). To our knowledge, this variant has not been reported in the literature or in a large population database, indicating this variant is rare. At this time, the clinical significance of this variant is uncertain due to the absence of conclusive functional and genetic evidence.